The following is an entry in ClinVar:

ClinVar aggregate classification (germline): Uncertain significance (1 of 4 stars; one submission).

Submission:

Labcorp Genetics (formerly Invitae), Labcorp
Classification: Uncertain significance. Last evaluated: 2025-01-13. Review status: criteria provided, single submitter. Criteria: Invitae Variant Classification Sherloc (09022015). Collection method: clinical testing. Allele origin: germline.
Comment: This sequence change replaces asparagine, which is neutral and polar, with aspartic acid, which is acidic and polar, at codon 558 of the KLHL7 protein (p.Asn558Asp). This variant is not present in population databases (gnomAD no frequency). This variant has not been reported in the literature in individuals affected with KLHL7-related conditions. An algorithm developed to predict the effect of missense changes on protein structure and function (PolyPhen-2) suggests that this variant is likely to be tolerated. In summary, the available evidence is currently insufficient to determine the role of this variant in disease. Therefore, it has been classified as a Variant of Uncertain Significance.

NM_001031710.3(KLHL7):c.1672A>G (p.Asn558Asp)

Gene: KLHL7 (kelch like family member 7; plus strand). Cytogenetic location: 7p15.3.
Variant type: single nucleotide variant.
Coding change: c.1672A>G on transcript NM_001031710.3 (MANE Select); coding-DNA position 1672, A replaced by G.
Protein change: p.Asn558Asp; replaces asparagine 558 with aspartic acid.
Molecular consequence: missense variant. On other transcripts: non-coding transcript variant (1).
Genome position (GRCh38, 1-based): chr7:23,174,209, A>G. VCF-style: chr7-23174209-A-G. GRCh37 (hg19) VCF-style: chr7-23213828-A-G.
Other names: c.1528A>G, p.Asn510Asp (NM_018846.5); short protein forms N510D, N558D.
Identifiers: ClinVar variation 3728945 (VCV003728945.2).